The following is an entry in ClinVar:

NM_024652.6(LRRK1):c.10A>G (p.Met4Val)

Gene: LRRK1 (leucine rich repeat kinase 1; plus strand). Cytogenetic location: 15q26.3.
Variant type: single nucleotide variant.
Coding change: c.10A>G on transcript NM_024652.6 (MANE Select); coding-DNA position 10, A replaced by G.
Protein change: p.Met4Val; replaces methionine 4 with valine.
Molecular consequence: missense variant.
Genome position (GRCh38, 1-based): chr15:100,924,642, A>G. VCF-style: chr15-100924642-A-G. GRCh37 (hg19) VCF-style: chr15-101464847-A-G.
Other names: c.10A>G (NM_024652.3); short protein forms M4V.
Identifiers: ClinVar variation 1491780 (VCV001491780.8), dbSNP rs201543283, ClinGen allele CA7760465.
Genomic context (GRCh38, chr15:100,924,642, plus strand): 5'-GCAGTGACAACAGCGGGACCTGCCTTTGAAGATCGGCTGCTGCAAGGGTTGATGGCTGGC[A>G]TGTCGCAAAGACCCCCCAGCATGTACTGGTGTGTGGGGCCGGAGGAGTCAGCTGTGTGTC-3'
Protein context (NP_078928.3, residues 1-14): MAG[Met4Val]SQRPPSMYWC

ClinVar aggregate classification (germline): Uncertain significance. Review status: criteria provided, multiple submitters, no conflicts (2 of 4 stars). 2 submissions from 2 submitters: Uncertain significance (2). Last evaluated 2025-10-23.

Conditions:
Inborn genetic diseases. Identifiers: MedGen C0950123, MeSH D030342.

Allele frequency attached by ClinVar (database versions not stated): gnomAD 0.00015 and 0.00016; TOPMed 0.00017; ESP Exome Variant Server 0.00038.
gnomAD v4.1: 336 of 1,614,000 alleles (0.021%); highest among the groups gnomAD compares: Non-Finnish European, 0.027%; 1 homozygote.

Submissions (2):

Ambry Genetics
Classification: Uncertain significance for Inborn genetic diseases. Last evaluated: 2025-10-23. Review status: criteria provided, single submitter. Criteria: Ambry Variant Classification Scheme 2023. Collection method: clinical testing. Allele origin: germline.

Labcorp Genetics (formerly Invitae), Labcorp
Classification: Uncertain significance. Last evaluated: 2022-04-03. Review status: criteria provided, single submitter. Criteria: Invitae Variant Classification Sherloc (09022015). Collection method: clinical testing. Allele origin: germline.
Comment: This sequence change replaces methionine, which is neutral and non-polar, with valine, which is neutral and non-polar, at codon 4 of the LRRK1 protein (p.Met4Val). This variant is present in population databases (rs201543283, gnomAD 0.04%). This variant has not been reported in the literature in individuals affected with LRRK1-related conditions. Algorithms developed to predict the effect of missense changes on protein structure and function output the following: SIFT: "Tolerated"; PolyPhen-2: "Benign"; Align-GVGD: "Class C0". The valine amino acid residue is found in multiple mammalian species, which suggests that this missense change does not adversely affect protein function. In summary, the available evidence is currently insufficient to determine the role of this variant in disease. Therefore, it has been classified as a Variant of Uncertain Significance.